The following is an entry in ClinVar:

NM_003072.5(SMARCA4):c.2038C>T (p.Pro680Ser)

Gene: SMARCA4 (SWI/SNF related BAF chromatin remodeling complex subunit ATPase 4; plus strand). Cytogenetic location: 19p13.2.
Variant type: single nucleotide variant.
Coding change: c.2038C>T on transcript NM_003072.5 (MANE Select); coding-DNA position 2038, C replaced by T.
Protein change: p.Pro680Ser; replaces proline 680 with serine.
Molecular consequence: missense variant. On other transcripts: non-coding transcript variant (1).
Genome position (GRCh38, 1-based): chr19:11,007,938, C>T. VCF-style: chr19-11007938-C-T. GRCh37 (hg19) VCF-style: chr19-11118614-C-T.
Other names: c.2038C>T, p.Pro680Ser (NM_001128844.3, NM_001128845.2, NM_001128846.2 and 6 more transcripts); short protein forms P680S.
Identifiers: ClinVar variation 5029873 (VCV005029873.1).
Genomic context (GRCh38, chr19:11,007,938, plus strand): 5'-TGACATGGGCTTGTCTCTTGGTAGGAGGAGGAGGAAGAGCAGCCGCAGGCAGCACAGCCT[C>T]CCACCCTGCCCGTGGAGGAGAAGAAGAAGATTCCAGATCCAGACAGCGATGACGTCTCTG-3'
Protein context (NP_003063.2, residues 670-690): EEEQPQAAQP[Pro680Ser]TLPVEEKKKI

ClinVar aggregate classification (germline): Uncertain significance (1 of 4 stars; one submission).

Conditions:
Hereditary cancer-predisposing syndrome. Also called: Neoplastic Syndromes, Hereditary; Tumor predisposition; Hereditary neoplastic syndrome; Hereditary Cancer Syndrome. Identifiers: Orphanet 140162, MedGen C0027672, MeSH D009386, MONDO:0015356.

Submission:

Ambry Genetics
Classification: Uncertain significance for Hereditary cancer-predisposing syndrome. Last evaluated: 2026-08-03. Review status: criteria provided, single submitter. Criteria: Ambry Variant Classification Scheme 2023. Collection method: clinical testing. Allele origin: germline.
Comment: The p.P680S variant (also known as c.2038C>T), located in coding exon 13 of the SMARCA4 gene, results from a C to T substitution at nucleotide position 2038. The proline at codon 680 is replaced by serine, an amino acid with similar properties. This amino acid position is conserved. In addition, this alteration is predicted to be tolerated by in silico analysis. Based on the available evidence, the clinical significance of this variant remains unclear.